The following is an entry in ClinVar:

NM_002834.5(PTPN11):c.1078G>A (p.Val360Met)

Gene: PTPN11 (protein tyrosine phosphatase non-receptor type 11; plus strand). Cytogenetic location: 12q24.13.
Variant type: single nucleotide variant.
Coding change: c.1078G>A on transcript NM_002834.5 (MANE Select); coding-DNA position 1078, G replaced by A.
Protein change: p.Val360Met; replaces valine 360 with methionine.
Molecular consequence: missense variant.
Genome position (GRCh38, 1-based): chr12:112,478,001, G>A. VCF-style: chr12-112478001-G-A. GRCh37 (hg19) VCF-style: chr12-112915805-G-A.
Other names: c.1078G>A, p.Val360Met (NM_001330437.2, NM_080601.3); c.1075G>A, p.Val359Met (NM_001374625.1); short protein forms V359M, V360M.
Identifiers: ClinVar variation 1715947 (VCV001715947.5), dbSNP rs2540452636, ClinGen allele CA386791710.

ClinVar aggregate classification (germline): Uncertain significance (1 of 4 stars; one submission).

Conditions:
RASopathy. Also called: rasopathies; Noonan spectrum disorder. Identifiers: Orphanet 536391, MedGen C5555857, MONDO:0021060.

Submission:

Labcorp Genetics (formerly Invitae), Labcorp
Classification: Uncertain significance for RASopathy. Last evaluated: 2024-11-05. Review status: criteria provided, single submitter. Criteria: Invitae Variant Classification Sherloc (09022015). Collection method: clinical testing. Allele origin: germline.
Comment: This sequence change replaces valine, which is neutral and non-polar, with methionine, which is neutral and non-polar, at codon 360 of the PTPN11 protein (p.Val360Met). This variant is not present in population databases (gnomAD no frequency). This variant has not been reported in the literature in individuals affected with PTPN11-related conditions. ClinVar contains an entry for this variant (Variation ID: 1715947). Invitae Evidence Modeling of protein sequence and biophysical properties (such as structural, functional, and spatial information, amino acid conservation, physicochemical variation, residue mobility, and thermodynamic stability) indicates that this missense variant is not expected to disrupt PTPN11 protein function with a negative predictive value of 80%. In summary, the available evidence is currently insufficient to determine the role of this variant in disease. Therefore, it has been classified as a Variant of Uncertain Significance.